The following is an entry in ClinVar:

NM_170784.3(MKKS):c.175C>T (p.Gln59Ter)

Gene: MKKS (MKKS centrosomal shuttling protein; minus strand). Cytogenetic location: 20p12.2.
Variant type: single nucleotide variant.
Coding change: c.175C>T on transcript NM_170784.3 (MANE Select); coding-DNA position 175, C replaced by T.
Protein change: p.Gln59Ter; replaces glutamine 59 with a stop codon.
Molecular consequence: nonsense.
Genome position (GRCh38, 1-based): chr20:10,413,340, G>A on the plus strand (C>T on the coding strand, the complement: MKKS is on the minus strand). VCF-style: chr20-10413340-G-A. GRCh37 (hg19) VCF-style: chr20-10393988-G-A.
Other names: c.175C>T, p.Gln59Ter (NM_018848.3); short protein forms Q59*.
Identifiers: ClinVar variation 971909 (VCV000971909.11), dbSNP rs1334961999, ClinGen allele CA408233679.
Genomic context (GRCh38, chr20:10,413,340, plus strand): 5'-CTGTCAGGATCTTTAAAATGGGATGTGTGACCAAAAGGTGACTGAGCAGAGCTGAGGACT[G>A]TGAGGTTGTACACACGTAACCTCCAAAGCCATTGTGCAGCTGCTTCAGCCTACCTGAGGG-3'

ClinVar aggregate classification (germline): Pathogenic/Likely pathogenic. Review status: criteria provided, multiple submitters, no conflicts (2 of 4 stars). 4 submissions from 4 submitters: Pathogenic (2); Likely pathogenic (2). Last evaluated 2026-01-26.

Conditions:
Bardet-Biedl syndrome 6 (BBS6). Identifiers: Orphanet 110, MedGen C1858054, MONDO:0011523, OMIM 605231.
McKusick-Kaufman syndrome (MKKS). Also called: HYDROMETROCOLPOS SYNDROME; HYDROMETROCOLPOS, POSTAXIAL POLYDACTYLY, AND CONGENITAL HEART MALFORMATION. Identifiers: Orphanet 2473, MedGen C0948368, MONDO:0009367, OMIM 236700.
Bardet-Biedl syndrome (BBS). Identifiers: Orphanet 110, MedGen C0752166, MONDO:0015229.

Allele frequency attached by ClinVar (database versions not stated): gnomAD exomes below 0.00001.
gnomAD v4.1: 1 of 1,614,160 alleles (0.000062%); highest among the groups gnomAD compares: East Asian, 0.0022%; no homozygotes.

Submissions (4):

Medical and Scientific Branch, Hong Kong Genome Institute
Classification: Pathogenic for Bardet-Biedl syndrome 6. Last evaluated: 2026-01-26. Review status: criteria provided, single submitter. Criteria: ACMG Guidelines, 2015. Collection method: clinical testing. Allele origin: biparental. Affected: yes.

Fulgent Genetics
Classification: Likely pathogenic for McKusick-Kaufman syndrome; Bardet-Biedl syndrome 6. Last evaluated: 2024-06-20. Review status: criteria provided, single submitter. Criteria: ACMG Guidelines, 2015. Collection method: clinical testing. Allele origin: germline.

Baylor Genetics
Classification: Likely pathogenic for Bardet-Biedl syndrome 6. Last evaluated: 2023-10-28. Review status: criteria provided, single submitter. Criteria: ACMG Guidelines, 2015. Collection method: clinical testing. Allele origin: unknown.

Labcorp Genetics (formerly Invitae), Labcorp
Classification: Pathogenic for McKusick-Kaufman syndrome; Bardet-Biedl syndrome. Last evaluated: 2022-06-13. Review status: criteria provided, single submitter. Criteria: Invitae Variant Classification Sherloc (09022015). Collection method: clinical testing. Allele origin: germline.
Comment: This sequence change creates a premature translational stop signal (p.Gln59*) in the MKKS gene. It is expected to result in an absent or disrupted protein product. Loss-of-function variants in MKKS are known to be pathogenic (PMID: 11179009, 28761321, 30614526). For these reasons, this variant has been classified as Pathogenic. ClinVar contains an entry for this variant (Variation ID: 971909). This variant has not been reported in the literature in individuals affected with MKKS-related conditions. This variant is not present in population databases (gnomAD no frequency).

Literature cited by the submitters: PubMed 11179009 (cited by Labcorp Genetics (formerly Invitae), Labcorp); PubMed 28761321 (cited by Labcorp Genetics (formerly Invitae), Labcorp); PubMed 30614526 (cited by Labcorp Genetics (formerly Invitae), Labcorp).